The following is an entry in ClinVar:

ClinVar aggregate classification (germline): Conflicting classifications of pathogenicity. Review status: criteria provided, conflicting classifications (1 of 4 stars). 6 submissions from 6 submitters: Uncertain significance (4); Likely benign (1). 1 of the submissions does not count toward it. Last evaluated 2026-03-09.

Conditions:
Inborn genetic diseases. Identifiers: MedGen C0950123, MeSH D030342.
HSD17B4-related disorder. Also called: HSD17B4-related condition; HSD17B4-related disorders.
Bifunctional peroxisomal enzyme deficiency (DBIF). Also called: D-bifunctional protein deficiency; DBP DEFICIENCY; PBFE DEFICIENCY. Identifiers: Orphanet 300, MedGen C0342870, MONDO:0009855, OMIM 261515. Disease mechanism: loss of function.
Perrault syndrome. Also called: Gonadal dysgenesis with auditory dysfunction, autosomal recessive inheritance. Identifiers: Orphanet 2855, MedGen C0685838, MONDO:0017312.

Allele frequency attached by ClinVar (database versions not stated): gnomAD 0.00002 and 0.00003; TOPMed 0.00002; ExAC 0.00004; gnomAD exomes 0.00008.
gnomAD v4.1: 24 of 1,596,078 alleles (0.0015%); highest among the groups gnomAD compares: East Asian, 0.047%; no homozygotes.

Submissions (6):

PreventionGenetics, part of Exact Sciences
Classification: Uncertain significance for HSD17B4-related condition. Last evaluated: 2026-03-09. Review status: criteria provided, single submitter. Criteria: ACMG Guidelines, 2015. Collection method: clinical testing. Allele origin: germline.
Comment: The HSD17B4 c.109G>A variant is predicted to result in the amino acid substitution p.Val37Ile. To our knowledge, this variant has not been reported in the literature. This variant is reported in 0.11% of alleles in individuals of East Asian descent in gnomAD, which is more common than expected for a pathogenic variant. Although we suspect that this variant may be benign, at this time, the clinical significance of this variant is uncertain due to the absence of conclusive functional and genetic evidence.

Ambry Genetics
Classification: Uncertain significance for Inborn genetic diseases. Last evaluated: 2024-05-24. Review status: criteria provided, single submitter. Criteria: Ambry Variant Classification Scheme 2023. Collection method: clinical testing. Allele origin: germline.

Labcorp Genetics (formerly Invitae), Labcorp
Classification: Likely benign for Perrault syndrome; Bifunctional peroxisomal enzyme deficiency. Last evaluated: 2024-03-10. Review status: criteria provided, single submitter. Criteria: Invitae Variant Classification Sherloc (09022015). Collection method: clinical testing. Allele origin: germline.

Eurofins Ntd Llc (ga)
Classification: Uncertain significance. Last evaluated: 2018-08-27. Review status: criteria provided, single submitter. Criteria: EGL ClinVar v180209 classification definitions. Collection method: clinical testing. Allele origin: germline. Observed: 1 variant allele, 1 heterozygote.

Laboratory for Molecular Medicine, Mass General Brigham Personalized Medicine
Classification: Uncertain significance. Last evaluated: 2016-04-12. Review status: criteria provided, single submitter. Criteria: LMM Criteria. Collection method: clinical testing. Allele origin: germline. Observed: 1 variant allele.
Comment: Variant classified as Uncertain Significance - Favor Benign. The p.Cys40Tyr vari ant in HSD17B4 has not been previously reported in individuals with hearing loss , but has been identified in 5/8652 of East Asian chromosome chromosomes by the Exome Aggregation Consortium (ExAC; dbSNP rs7472 14551). Cysteine (Cys) at position 40 is not conserved in mammals or evolutionar ily distant species and 4 mammals (all rodent species: naked mole rat, guinea pi g, chinchilla, and bush-tailed rat) carry a tyrosine (Tyr), supporting that this change may be tolerated. Additional computational prediction tools suggest tha t the p.Cys40Tyr variant may not impact the protein, though this information is not predictive enough to rule out pathogenicity. In summary, while the clinical significance of the p.Cys40Tyr variant is uncertain, these data suggest that it is more likely to be benign.

Natera, Inc.
Classification: Uncertain significance for Bifunctional peroxisomal enzyme deficiency. Last evaluated: 2020-09-16. Review status: no assertion criteria provided. Collection method: clinical testing. Allele origin: germline. Not counted in ClinVar's aggregate classification.

NM_000414.4(HSD17B4):c.109G>A (p.Val37Ile)

Gene: HSD17B4 (hydroxysteroid 17-beta dehydrogenase 4; plus strand). Cytogenetic location: 5q23.1.
Variant type: single nucleotide variant.
Coding change: c.109G>A on transcript NM_000414.4 (MANE Select); coding-DNA position 109, G replaced by A.
Protein change: p.Val37Ile; replaces valine 37 with isoleucine.
Molecular consequence: missense variant. On other transcripts: 5 prime UTR variant (2), intron variant (1).
Genome position (GRCh38, 1-based): chr5:119,456,365, G>A. VCF-style: chr5-119456365-G-A. GRCh37 (hg19) VCF-style: chr5-118792060-G-A.
Other names: c.119G>A, p.Cys40Tyr (NM_001199291.3); c.-29G>A (NM_001292027.2); c.-303G>A (NM_001292028.2); c.58+3732G>A (NM_001199292.2); c.109G>A (NM_000414.3); short protein forms C40Y, V37I.
Identifiers: ClinVar variation 504931 (VCV000504931.15), dbSNP rs747214551, ClinGen allele CA3381664.
Genomic context (GRCh38, chr5:119,456,365, plus strand): 5'-TTTTGATTAGGATTGGGCCGAGCCTATGCCCTGGCTTTTGCAGAAAGAGGAGCGTTAGTT[G>A]TTGGTAAGTTGGTGTGTTTTTCTTTTTAATCTGTAGCTGATAACTGAAATACAATCTTTA-3'
Protein context (NP_000405.1, residues 27-47): LAFAERGALV[Val37Ile]VNDLGGDFKG